The following is an entry in ClinVar:

NM_000051.4(ATM):c.6142del (p.Thr2048fs)

Genes: ATM (ATM serine/threonine kinase; plus strand), C11orf65 (chromosome 11 open reading frame 65; minus strand). Cytogenetic location: 11q22.3.
Variant type: Deletion.
Coding change: c.6142del on transcript NM_000051.4 (MANE Select); coding-DNA position 6142, one base deleted (A; older notation c.6142delA).
Protein change: p.Thr2048fs; shifts the reading frame from threonine 2048.
Molecular consequence: frameshift variant. On other transcripts: intron variant (2).
Genome position (GRCh38, 1-based): chr11:108,316,057, A deleted; the last of 2 consecutive A bases (chr11:108,316,056-108,316,057); deleting either gives the same sequence. VCF-style (leftmost placement, unchanged base first): chr11-108316055-TA-T. GRCh37 (hg19) VCF-style: chr11-108186782-TA-T.
Other names: c.6142del, p.Thr2048fs (NM_001351834.2); c.641-6985del (NM_001330368.2); c.*39-6985del (NM_001351110.2); short protein forms T2048fs.
Identifiers: ClinVar variation 2674007 (VCV002674007.1), dbSNP rs2547095237, ClinGen allele CA2695198975.

ClinVar aggregate classification (germline): Pathogenic (1 of 4 stars; one submission).

Conditions:
Familial cancer of breast. Also called: BREAST CANCER, FAMILIAL; Hereditary breast cancer; hereditary breast carcinoma. Identifiers: Orphanet 227535, MedGen C0346153, MONDO:0016419, OMIM 114480. Disease mechanism: loss of function.

Submission:

Myriad Genetics, Inc.
Classification: Pathogenic for Familial cancer of breast. Last evaluated: 2023-11-14. Review status: criteria provided, single submitter. Criteria: Myriad Autosomal Dominant, Autosomal Recessive and X-Linked Classification Criteria (2023). Collection method: clinical testing. Allele origin: unknown.
Comment: This variant is considered pathogenic. This variant creates a frameshift predicted to result in premature protein truncation.